The following is an entry in ClinVar:

NM_198859.4(PRICKLE2):c.860A>G (p.His287Arg)

Gene: PRICKLE2 (prickle planar cell polarity protein 2; minus strand). Cytogenetic location: 3p14.1.
Variant type: single nucleotide variant.
Coding change: c.860A>G on transcript NM_198859.4 (MANE Select); coding-DNA position 860, A replaced by G.
Protein change: p.His287Arg; replaces histidine 287 with arginine.
Molecular consequence: missense variant.
Genome position (GRCh38, 1-based): chr3:64,147,630, T>C on the plus strand (A>G on the coding strand, the complement: PRICKLE2 is on the minus strand). VCF-style: chr3-64147630-T-C. GRCh37 (hg19) VCF-style: chr3-64133306-T-C.
Other names: c.860A>G, p.His287Arg (NM_001370528.1); short protein forms H287R.
Identifiers: ClinVar variation 1509090 (VCV001509090.8), dbSNP rs1201078531, ClinGen allele CA353432538.
Genomic context (GRCh38, chr3:64,147,630, plus strand): 5'-GAGCAGAATATCTGGCCCTGCTTCGGGAGGAATGGCCGCCCCAGGAGGGATTTCTTGCAG[T>C]GAGCACAGCAGAAACAGGTCTCAGTGGCATGCCAGTGTTGGCCATCATAGGTCATTTGAC-3'
Protein context (NP_942559.1, residues 277-297): HATETCFCCA[His287Arg]CKKSLLGRPF

ClinVar aggregate classification (germline): Uncertain significance (1 of 4 stars; one submission).

Conditions:
Progressive myoclonic epilepsy type 5. Identifiers: Orphanet 402082, MedGen C5190799.

Allele frequency attached by ClinVar (database versions not stated): gnomAD exomes below 0.00001.
gnomAD v4.1: 1 of 1,614,084 alleles (0.000062%); highest among the groups gnomAD compares: Admixed American, 0.0017%; no homozygotes.

Submission:

Labcorp Genetics (formerly Invitae), Labcorp
Classification: Uncertain significance for Progressive myoclonic epilepsy type 5. Last evaluated: 2025-10-18. Review status: criteria provided, single submitter. Criteria: Invitae Variant Classification Sherloc (09022015). Collection method: clinical testing. Allele origin: germline.
Comment: This sequence change replaces histidine, which is basic and polar, with arginine, which is basic and polar, at codon 287 of the PRICKLE2 protein (p.His287Arg). This variant is present in population databases (no rsID available, gnomAD 0.003%). This variant has not been reported in the literature in individuals affected with PRICKLE2-related conditions. ClinVar contains an entry for this variant (Variation ID: 1509090). Invitae Evidence Modeling of protein sequence and biophysical properties (such as structural, functional, and spatial information, amino acid conservation, physicochemical variation, residue mobility, and thermodynamic stability) indicates that this missense variant is not expected to disrupt PRICKLE2 protein function with a negative predictive value of 80%. In summary, the available evidence is currently insufficient to determine the role of this variant in disease. Therefore, it has been classified as a Variant of Uncertain Significance.